The following is an entry in ClinVar:

ClinVar aggregate classification (germline): Uncertain significance (0 of 4 stars; one submission).

Conditions:
Prostate cancer. Also called: Malignant tumor of prostate. Identifiers: Orphanet 1331, MedGen C0376358, MONDO:0008315, HP:0012125.

Submission:

Science for Life laboratory,  Karolinska Institutet
Classification: Uncertain significance for Malignant tumor of prostate. Review status: no assertion criteria provided. Collection method: not provided. Allele origin: somatic.
Comment: TumorID:SWE-6
ClinVar note: Converted during submission from Unknown to Uncertain significance.

NM_001184785.2(PARD3):c.684G>A (p.Met228Ile)

Gene: PARD3 (par-3 family cell polarity regulator; minus strand). Cytogenetic location: 10p11.21.
Variant type: single nucleotide variant.
Coding change: c.684G>A on transcript NM_001184785.2 (MANE Select); coding-DNA position 684, G replaced by A.
Protein change: p.Met228Ile; replaces methionine 228 with isoleucine.
Molecular consequence: missense variant. On other transcripts: intron variant (2).
Genome position (GRCh38, 1-based): chr10:34,450,347, C>T on the plus strand (G>A on the coding strand, the complement: PARD3 is on the minus strand). VCF-style: chr10-34450347-C-T. GRCh37 (hg19) VCF-style: chr10-34739275-C-T.
Other names: c.684G>A, p.Met228Ile (NM_001184786.2, NM_001184787.2, NM_001184788.2 and 5 more transcripts); c.582+19738G>A (NM_001184790.2, NM_001184791.2); short protein forms M228I.
Identifiers: ClinVar variation 161557 (VCV000161557.2), dbSNP rs193921017, ClinGen allele CA174334.
Genomic context (GRCh38, chr10:34,450,347, plus strand): 5'-TGACGCACATATAAGGATTTGTCATGTTACCTGTTCTTGTTTCTCCAGCCACTTGCCCAC[C>T]ATTGGGTGACTGGCACTCAGAGACGAGCGAGCATTGTCTCTCTGAAATTGGTTAGACCAG-3'
Protein context (NP_001171714.1, residues 218-238): ARSSLSASHP[Met228Ile]VGKWLEKQEQ